The following is an entry in ClinVar:

ClinVar aggregate classification (germline): Uncertain significance (1 of 4 stars; one submission).

Conditions:
Congenital disorder of glycosylation type Ir (CDG1R). Also called: DDOST-congenital disorder of glycosylation. Identifiers: Orphanet 300536, MedGen C3281084, MONDO:0013789, OMIM 614507.

Allele frequency attached by ClinVar (database versions not stated): gnomAD 0.00001 and 0.00002; TOPMed 0.00001; gnomAD exomes 0.00003 and 0.00004; ExAC 0.00004; ESP Exome Variant Server 0.00015; 1000 Genomes Project 30x 0.00031; 1000 Genomes Project 0.00040.
gnomAD v4.1: 56 of 1,613,966 alleles (0.0035%); highest among the groups gnomAD compares: Middle Eastern, 0.033%; no homozygotes.

Submission:

Labcorp Genetics (formerly Invitae), Labcorp
Classification: Uncertain significance for Congenital disorder of glycosylation type Ir. Last evaluated: 2024-02-06. Review status: criteria provided, single submitter. Criteria: Invitae Variant Classification Sherloc (09022015). Collection method: clinical testing. Allele origin: germline.
Comment: This sequence change replaces threonine, which is neutral and polar, with alanine, which is neutral and non-polar, at codon 185 of the DDOST protein (p.Thr185Ala). This variant is present in population databases (rs372948054, gnomAD 0.01%). This variant has not been reported in the literature in individuals affected with DDOST-related conditions. ClinVar contains an entry for this variant (Variation ID: 1373128). Advanced modeling of protein sequence and biophysical properties (such as structural, functional, and spatial information, amino acid conservation, physicochemical variation, residue mobility, and thermodynamic stability) performed at Invitae indicates that this missense variant is not expected to disrupt DDOST protein function with a negative predictive value of 80%. In summary, the available evidence is currently insufficient to determine the role of this variant in disease. Therefore, it has been classified as a Variant of Uncertain Significance.

NM_005216.5(DDOST):c.502A>G (p.Thr168Ala)

Gene: DDOST (dolichyl-diphosphooligosaccharide--protein glycosyltransferase non-catalytic subunit; minus strand). Cytogenetic location: 1p36.12.
Variant type: single nucleotide variant.
Coding change: c.502A>G on transcript NM_005216.5 (MANE Select); coding-DNA position 502, A replaced by G.
Protein change: p.Thr168Ala; replaces threonine 168 with alanine.
Molecular consequence: missense variant.
Genome position (GRCh38, 1-based): chr1:20,655,489, T>C on the plus strand (A>G on the coding strand, the complement: DDOST is on the minus strand). VCF-style: chr1-20655489-T-C. GRCh37 (hg19) VCF-style: chr1-20981982-T-C.
Other names: short protein forms T168A.
Identifiers: ClinVar variation 1373128 (VCV001373128.8), dbSNP rs372948054, ClinGen allele CA661216.
Genomic context (GRCh38, chr1:20,655,489, plus strand): 5'-CACTCACTCACCCAACACCTCGAAAGAGGATGGGATTTAGAGATGATTTCCCAACGATGG[T>C]TGGGGCCTTCAGCAGGTTCTCAGTGTCAGCCACGATGAGCGTATGCTGCAAAGAGTAGAT-3'
Protein context (NP_005207.3, residues 158-178): ADTENLLKAP[Thr168Ala]IVGKSSLNPI